The following is an entry in ClinVar:

NM_001048174.2(MUTYH):c.68A>C (p.Gln23Pro)

Gene: MUTYH (mutY DNA glycosylase; minus strand). Cytogenetic location: 1p34.1.
Variant type: single nucleotide variant.
Coding change: c.68A>C on transcript NM_001048174.2 (MANE Select); coding-DNA position 68, A replaced by C.
Protein change: p.Gln23Pro; replaces glutamine 23 with proline.
Molecular consequence: missense variant. On other transcripts: 5 prime UTR variant (7), non-coding transcript variant (7).
Genome position (GRCh38, 1-based): chr1:45,334,438, T>G on the plus strand (A>C on the coding strand, the complement: MUTYH is on the minus strand). VCF-style: chr1-45334438-T-G. GRCh37 (hg19) VCF-style: chr1-45800110-T-G.
Other names: c.68A>C, p.Gln23Pro (NM_001048171.2, NM_001048172.2, NM_001048173.2 and 15 more transcripts); c.110A>C, p.Gln37Pro (NM_001128425.2, NM_001293190.2, NM_001407069.1 and 2 more transcripts); c.-145A>C (NM_001293192.2, NM_001293196.2, NM_001407091.1); c.-204A>C (NM_001350650.2); c.-140A>C (NM_001350651.2, NM_001407082.1); c.-89A>C (NM_001407075.1); c.86A>C, p.Gln29Pro (NM_001407087.1); short protein forms Q29P, Q23P, Q37P.
Identifiers: ClinVar variation 4113022 (VCV004113022.1).

ClinVar aggregate classification (germline): Uncertain significance (1 of 4 stars; one submission).

Conditions:
Hereditary cancer-predisposing syndrome. Also called: Tumor predisposition; Neoplastic Syndromes, Hereditary; Hereditary neoplastic syndrome; Hereditary Cancer Syndrome. Identifiers: Orphanet 140162, MedGen C0027672, MeSH D009386, MONDO:0015356.

Submission:

Ambry Genetics
Classification: Uncertain significance for Hereditary cancer-predisposing syndrome. Last evaluated: 2025-08-27. Review status: criteria provided, single submitter. Criteria: Ambry Variant Classification Scheme 2023. Collection method: clinical testing. Allele origin: germline.
Comment: The p.Q37P variant (also known as c.110A>C), located in coding exon 2 of the MUTYH gene, results from an A to C substitution at nucleotide position 110. The glutamine at codon 37 is replaced by proline, an amino acid with similar properties. This amino acid position is conserved. In addition, this alteration is predicted to be tolerated by in silico analysis. Based on the available evidence, the clinical significance of this variant remains unclear.